The following is an entry in ClinVar:

NM_001457.4(FLNB):c.4813C>T (p.Arg1605Cys)

Gene: FLNB (filamin B; plus strand). Cytogenetic location: 3p14.3.
Variant type: single nucleotide variant.
Coding change: c.4813C>T on transcript NM_001457.4 (MANE Select); coding-DNA position 4813, C replaced by T.
Protein change: p.Arg1605Cys; replaces arginine 1605 with cysteine.
Molecular consequence: missense variant.
Genome position (GRCh38, 1-based): chr3:58,136,120, C>T. VCF-style: chr3-58136120-C-T. GRCh37 (hg19) VCF-style: chr3-58121847-C-T.
Other names: c.4906C>T, p.Arg1636Cys (NM_001164317.2); c.4813C>T, p.Arg1605Cys (NM_001164318.2, NM_001164319.2); c.4813C>T (NM_001457.3); short protein forms R1636C, R1605C.
Identifiers: ClinVar variation 2963035 (VCV002963035.6), dbSNP rs745461413, ClinGen allele CA2468867.

ClinVar aggregate classification (germline): Conflicting classifications of pathogenicity. Review status: criteria provided, conflicting classifications (1 of 4 stars). 4 submissions from 4 submitters: Uncertain significance (2); Benign (1); Likely benign (1). Last evaluated 2025-10-06.

Conditions:
Inborn genetic diseases. Identifiers: MedGen C0950123, MeSH D030342.
Boomerang dysplasia. Identifiers: Orphanet 1263, MedGen C0432201, MONDO:0007208, OMIM 112310.
Spondylocarpotarsal synostosis syndrome (SCT). Also called: Spondylocarpotarsal Synostosis Syndrome (FLNB-SCT); SPONDYLOCARPOTARSAL SYNDROME; VERTEBRAL FUSION WITH CARPAL COALITION; Synspondylism congenital; Scoliosis, congenital with unilateral unsegmented bar. Identifiers: Orphanet 3275, MedGen C1848934, MONDO:0010094, OMIM 272460.
Atelosteogenesis type III. Also called: Atelosteogenesis Type 3 (FLNB-AO3). Identifiers: Orphanet 56305, MedGen C3668942, MONDO:0007168, OMIM 108721.
Larsen syndrome (LRS). Also called: Larsen syndrome (FLNB-LS); Bilateral dislocation of the knees, pes cavus, cylindrically shaped fingers and characteristic facies. Identifiers: Orphanet 503, MedGen C0175778, MONDO:0007875, OMIM 150250. Disease mechanism: loss of function.
Atelosteogenesis type I. Also called: Atelosteogenesis Type 1 (FLNB-AO1); GIANT CELL CHONDRODYSPLASIA; SPONDYLOHUMEROFEMORAL HYPOPLASIA. Identifiers: Orphanet 1190, MedGen C0265283, MONDO:0007167, OMIM 108720.

Allele frequency attached by ClinVar (database versions not stated): gnomAD 0.00003; ExAC 0.00005; TOPMed 0.00008.
gnomAD v4.1: 42 of 1,614,066 alleles (0.0026%); highest among the groups gnomAD compares: African/African-American, 0.013%; no homozygotes.

Submissions (4):

Women's Health and Genetics/Laboratory Corporation of America, LabCorp
Classification: Uncertain significance. Last evaluated: 2025-10-06. Review status: criteria provided, single submitter. Criteria: LabCorp Variant Classification Summary - May 2015. Collection method: clinical testing. Allele origin: germline.
Comment: Variant summary: FLNB c.4813C>T (p.Arg1605Cys) results in a non-conservative amino acid change in the encoded protein sequence. Algorithms developed to predict the effect of missense changes on protein structure and function all suggest that this variant is likely to be disruptive. The variant allele was found at a frequency of 4.4e-05 in 250894 control chromosomes. This frequency is not significantly higher than estimated for disease-causing variants in FLNB, allowing no conclusion about variant significance. To our knowledge, no occurrence of c.4813C>T in individuals affected with FLNB-related conditions and no experimental evidence demonstrating its impact on protein function have been reported. ClinVar contains an entry for this variant (Variation ID: 2963035). Based on the evidence outlined above, the variant was classified as uncertain significance.

Labcorp Genetics (formerly Invitae), Labcorp
Classification: Benign. Last evaluated: 2025-06-10. Review status: criteria provided, single submitter. Criteria: Invitae Variant Classification Sherloc (09022015). Collection method: clinical testing. Allele origin: germline.

Ambry Genetics
Classification: Likely benign for Inborn genetic diseases. Last evaluated: 2025-02-26. Review status: criteria provided, single submitter. Criteria: Ambry Variant Classification Scheme 2023. Collection method: clinical testing. Allele origin: germline.

Fulgent Genetics
Classification: Uncertain significance for Atelosteogenesis type I; Atelosteogenesis type III; Boomerang dysplasia; Larsen syndrome; Spondylocarpotarsal synostosis syndrome. Last evaluated: 2024-02-16. Review status: criteria provided, single submitter. Criteria: ACMG Guidelines, 2015. Collection method: clinical testing. Allele origin: germline.